The following is an entry in ClinVar:

ClinVar aggregate classification (germline): Conflicting classifications of pathogenicity. Review status: criteria provided, conflicting classifications (1 of 4 stars). 4 submissions from 4 submitters: Uncertain significance (2); Likely benign (2). Last evaluated 2025-12-30.

Conditions:
Inborn genetic diseases. Identifiers: MedGen C0950123, MeSH D030342.

Submissions (4):

Labcorp Genetics (formerly Invitae), Labcorp
Classification: Uncertain significance. Last evaluated: 2025-12-30. Review status: criteria provided, single submitter. Criteria: Invitae Variant Classification Sherloc (09022015). Collection method: clinical testing. Allele origin: germline.
Comment: This variant, c.135_140del, results in the deletion of 2 amino acid(s) of the PPP2R5D protein (p.Pro46_Gln47del), but otherwise preserves the integrity of the reading frame. This variant is present in population databases (rs752351834, gnomAD 0.01%). This variant has not been reported in the literature in individuals affected with PPP2R5D-related conditions. ClinVar contains an entry for this variant (Variation ID: 1207613). Experimental studies and prediction algorithms are not available or were not evaluated, and the functional significance of this variant is currently unknown. In summary, the available evidence is currently insufficient to determine the role of this variant in disease. Therefore, it has been classified as a Variant of Uncertain Significance.

Women's Health and Genetics/Laboratory Corporation of America, LabCorp
Classification: Uncertain significance. Last evaluated: 2025-04-28. Review status: criteria provided, single submitter. Criteria: LabCorp Variant Classification Summary - May 2015. Collection method: clinical testing. Allele origin: germline.
Comment: Variant summary: PPP2R5D c.135_140delGCCCCA (p.Pro46_Gln47del) results in an in-frame deletion that is predicted to remove 2 amino acids from the encoded protein. The variant allele was found at a frequency of 5.3e-05 in 244862 control chromosomes. This frequency is not significantly higher than estimated for a pathogenic variant in PPP2R5D causing Intellectual Disability-Macrocephaly Abnormalities Syndrome, allowing no conclusion about variant significance. To our knowledge, no occurrence of c.135_140delGCCCCA in individuals affected with Intellectual Disability-Macrocephaly Abnormalities Syndrome and no experimental evidence demonstrating its impact on protein function have been reported. ClinVar contains an entry for this variant (Variation ID: 1207613). Based on the evidence outlined above, the variant was classified as uncertain significance.

Ambry Genetics
Classification: Likely benign for Inborn genetic diseases. Last evaluated: 2024-09-12. Review status: criteria provided, single submitter. Criteria: Ambry Variant Classification Scheme 2023. Collection method: clinical testing. Allele origin: germline.

GeneDx
Classification: Likely benign. Last evaluated: 2021-04-14. Review status: criteria provided, single submitter. Criteria: GeneDx Variant Classification Process June 2021. Collection method: clinical testing. Allele origin: germline. Affected: yes.

NM_006245.4(PPP2R5D):c.117GCCCCA[3] (p.38PQ[4])

Gene: PPP2R5D (protein phosphatase 2 regulatory subunit B'delta; plus strand). Cytogenetic location: 6p21.1.
Variant type: Microsatellite.
Coding change: c.117GCCCCA[3] on transcript NM_006245.4 (MANE Select); three copies in a row of the 6-base unit GCCCCA starting at c.117; the reference has four copies in a row; one copy, 6 bases deleted.
Protein change: p.38PQ[4].
Molecular consequence: inframe deletion. On other transcripts: 5 prime UTR variant (1), intron variant (1).
Genome position (GRCh38, 1-based): chr6:43,006,492-43,006,497, GCCCCA deleted; deleting any 6 consecutive bases within chr6:43,006,472-43,006,497 gives the same sequence; the position shown is the placement nearest the transcript's 3' end. VCF-style (leftmost placement, unchanged base first): chr6-43006471-GCAGCCC-G. GRCh37 (hg19) VCF-style: chr6-42974209-GCAGCCC-G.
Other names: c.-337GCCCCA[3] (NM_001270476.2); c.117GCCCCA[3], p.38PQ[4] (NM_180976.3); c.28-462CAGCCC[3] (NM_180977.3); c.135_140delGCCCCA (NM_006245.4).
Identifiers: ClinVar variation 1207613 (VCV001207613.12), ClinGen allele CA3811751.
Genomic context (GRCh38, chr6:43,006,471, plus strand): 5'-GTGGGAGGCATATCTTGGGAAGTGGATTTCAACAGGTGACTTGTTTGACCAGGCCCAGCC[GCAGCCC>G]CAGCCCCAGCCCCAGCCCCAAGCCCAGTCTCAGCCACCGTCATCCAACAAGCGTCCCAGC-3'